The following is an entry in ClinVar:

ClinVar aggregate classification (germline): Likely benign (1 of 4 stars; one submission).

Submission:

Women's Health and Genetics/Laboratory Corporation of America, LabCorp
Classification: Likely benign. Last evaluated: 2026-01-30. Review status: criteria provided, single submitter. Criteria: LabCorp Variant Classification Summary - May 2015. Collection method: clinical testing. Allele origin: germline.
Comment: Variant summary: AEBP1 c.90C>G alters a conserved nucleotide resulting in a synonymous change. Consensus agreement among computation tools predict no significant impact on normal splicing. However, these predictions have yet to be confirmed by functional studies. The variant was absent in 240498 control chromosomes. The available data on variant occurrences in the general population are insufficient to allow any conclusion about variant significance. To our knowledge, no occurrence of c.90C>G in individuals affected with AEBP1-related conditions and no experimental evidence demonstrating its impact on protein function have been reported. No submitters have cited clinical-significance assessments for this variant to ClinVar. Based on the evidence outlined above, the variant was classified as likely benign.

NM_001129.5(AEBP1):c.90C>G (p.Thr30=)

Gene: AEBP1 (AE binding protein 1; plus strand). Cytogenetic location: 7p13.
Variant type: single nucleotide variant.
Coding change: c.90C>G on transcript NM_001129.5 (MANE Select); coding-DNA position 90, C replaced by G.
Protein change: p.Thr30=; no amino-acid change (threonine 30 retained).
Molecular consequence: synonymous variant.
Genome position (GRCh38, 1-based): chr7:44,104,755, C>G. VCF-style: chr7-44104755-C-G. GRCh37 (hg19) VCF-style: chr7-44144354-C-G.
Identifiers: ClinVar variation 4689767 (VCV004689767.1).